The following is an entry in ClinVar:

NM_000059.4(BRCA2):c.5142T>G (p.Tyr1714Ter)

Gene: BRCA2 (BRCA2 DNA repair associated; plus strand). Cytogenetic location: 13q13.1.
Variant type: single nucleotide variant.
Coding change: c.5142T>G on transcript NM_000059.4 (MANE Select); coding-DNA position 5142, T replaced by G.
Protein change: p.Tyr1714Ter; replaces tyrosine 1714 with a stop codon.
Molecular consequence: nonsense.
Genome position (GRCh38, 1-based): chr13:32,339,497, T>G. VCF-style: chr13-32339497-T-G. GRCh37 (hg19) VCF-style: chr13-32913634-T-G.
Other names: short protein forms Y1714*.
Identifiers: ClinVar variation 992810 (VCV000992810.5), dbSNP rs2072521352, ClinGen allele CA387784202.

ClinVar aggregate classification (germline): Pathogenic/Likely pathogenic. Review status: criteria provided, multiple submitters, no conflicts (2 of 4 stars). 3 submissions from 3 submitters: Pathogenic (2); Likely pathogenic (1). Last evaluated 2025-05-29.

Conditions:
Hereditary cancer-predisposing syndrome. Also called: Neoplastic Syndromes, Hereditary; Hereditary Cancer Syndrome; Tumor predisposition; Hereditary neoplastic syndrome. Identifiers: Orphanet 140162, MedGen C0027672, MeSH D009386, MONDO:0015356.
Hereditary breast ovarian cancer syndrome. Also called: Hereditary breast and ovarian cancer; Hereditary breast and ovarian cancer syndrome; Breast and ovarian cancer; BRCA1- and BRCA2-Associated Hereditary Breast and Ovarian Cancer; Hereditary breast and/or ovarian cancer syndrome; Hereditary breast and ovarian cancer syndrome (HBOC). Identifiers: Orphanet 145, MedGen C0677776, MeSH D061325, MONDO:0003582. Disease mechanism: loss of function.
Familial cancer of breast. Also called: hereditary breast carcinoma; Hereditary breast cancer; BREAST CANCER, FAMILIAL. Identifiers: Orphanet 227535, MedGen C0346153, MONDO:0016419, OMIM 114480. Disease mechanism: loss of function.

Submissions (3):

Ambry Genetics
Classification: Pathogenic for Hereditary cancer-predisposing syndrome. Last evaluated: 2025-05-29. Review status: criteria provided, single submitter. Criteria: Ambry Variant Classification Scheme 2023. Collection method: clinical testing. Allele origin: germline.
Comment: The p.Y1714* pathogenic mutation (also known as c.5142T>G), located in coding exon 10 of the BRCA2 gene, results from a T to G substitution at nucleotide position 5142. This changes the amino acid from a tyrosine to a stop codon within coding exon 10. This variant is considered to be rare based on population cohorts in the Genome Aggregation Database (gnomAD). This alteration is expected to result in loss of function by premature protein truncation or nonsense-mediated mRNA decay. As such, this alteration is interpreted as a disease-causing mutation.

Labcorp Genetics (formerly Invitae), Labcorp
Classification: Pathogenic for Hereditary breast ovarian cancer syndrome. Last evaluated: 2024-08-13. Review status: criteria provided, single submitter. Criteria: Invitae Variant Classification Sherloc (09022015). Collection method: clinical testing. Allele origin: germline.
Comment: This sequence change creates a premature translational stop signal (p.Tyr1714*) in the BRCA2 gene. It is expected to result in an absent or disrupted protein product. Loss-of-function variants in BRCA2 are known to be pathogenic (PMID: 20104584). This variant is not present in population databases (gnomAD no frequency). This variant has not been reported in the literature in individuals affected with BRCA2-related conditions. ClinVar contains an entry for this variant (Variation ID: 992810). For these reasons, this variant has been classified as Pathogenic.

New York Genome Center
Classification: Likely pathogenic for Familial cancer of breast. Last evaluated: 2019-08-02. Review status: criteria provided, single submitter. Criteria: NYGC Assertion Criteria 2020. Collection method: clinical testing. Allele origin: germline. Inheritance: Autosomal dominant inheritance. Affected: no. Observed: 1 heterozygote. Study: CSER-NYCKidSeq.
Comment: The c.5142T>G (p.Tyr1714Ter) variant identified in the BRCA2 gene leads to the premature termination of the protein at amino acid 1714/3419 (coding exon 11/27). This variant is absent from gnomAD and ExAC, suggesting it is not a common benign variant in the populations represented in these databases. Although it is absent from ClinVar, many pathogenic nonsense variants have been reported downstream. To our current knowledge, this variant has not been reported in any affected individuals in the literature. Given its deleterious nature and absence in population databases, the c.5142T>G (p.Tyr1714Ter) variant in the BRCA2 gene is reported here as Likely Pathogenic.

Literature cited by the submitters: PubMed 20104584 (cited by Labcorp Genetics (formerly Invitae), Labcorp).